The following is an entry in ClinVar:

NM_020778.5(ALPK3):c.4071C>T (p.Thr1357=)

Gene: ALPK3 (alpha kinase 3; plus strand). Cytogenetic location: 15q25.3.
Variant type: single nucleotide variant.
Coding change: c.4071C>T on transcript NM_020778.5 (MANE Select); coding-DNA position 4071, C replaced by T.
Protein change: p.Thr1357=; no amino-acid change (threonine 1357 retained).
Molecular consequence: synonymous variant.
Genome position (GRCh38, 1-based): chr15:84,859,881, C>T. VCF-style: chr15-84859881-C-T. GRCh37 (hg19) VCF-style: chr15-85403112-C-T.
Identifiers: ClinVar variation 1181095 (VCV001181095.15), dbSNP rs145385507, ClinGen allele CA7709824.

ClinVar aggregate classification (germline): Likely benign. Review status: criteria provided, multiple submitters, no conflicts (2 of 4 stars). 5 submissions from 5 submitters: Likely benign (4). 1 of the submissions does not count toward it. Last evaluated 2026-02-04.

Conditions:
ALPK3-related disorder. Also called: ALPK3-related condition.
Cardiovascular phenotype. Identifiers: MedGen CN230736.

Allele frequency attached by ClinVar (database versions not stated): gnomAD exomes 0.00004 and 0.00010; ExAC 0.00011; gnomAD 0.00036 and 0.00040; TOPMed 0.00045; ESP Exome Variant Server 0.00077.

Submissions (5):

Labcorp Genetics (formerly Invitae), Labcorp
Classification: Likely benign. Last evaluated: 2026-02-04. Review status: criteria provided, single submitter. Criteria: Invitae Variant Classification Sherloc (09022015). Collection method: clinical testing. Allele origin: germline.

Blueprint Genetics
Classification: Likely benign. Last evaluated: 2023-07-26. Review status: criteria provided, single submitter. Criteria: ACMG Guidelines, 2015. Collection method: clinical testing. Allele origin: germline.

GeneDx
Classification: Likely benign. Last evaluated: 2020-01-07. Review status: criteria provided, single submitter. Criteria: GeneDx Variant Classification Process June 2021. Collection method: clinical testing. Allele origin: germline. Affected: yes.

Ambry Genetics
Classification: Likely benign for Cardiovascular phenotype. Last evaluated: 2019-05-01. Review status: criteria provided, single submitter. Criteria: Ambry Variant Classification Scheme 2023. Collection method: clinical testing. Allele origin: germline.

PreventionGenetics, part of Exact Sciences
Classification: Likely benign for ALPK3-related condition. Last evaluated: 2023-03-14. Review status: no assertion criteria provided. Collection method: clinical testing. Allele origin: germline. Not counted in ClinVar's aggregate classification.
Comment: This variant is classified as likely benign based on ACMG/AMP sequence variant interpretation guidelines (Richards et al. 2015 PMID: 25741868, with internal and published modifications).